The following is an entry in ClinVar:

NM_006267.5(RANBP2):c.4442G>A (p.Gly1481Glu)

Gene: RANBP2 (RAN binding protein 2; plus strand). Cytogenetic location: 2q13.
Variant type: single nucleotide variant.
Coding change: c.4442G>A on transcript NM_006267.5 (MANE Select); coding-DNA position 4442, G replaced by A.
Protein change: p.Gly1481Glu; replaces glycine 1481 with glutamic acid.
Molecular consequence: missense variant.
Genome position (GRCh38, 1-based): chr2:108,764,981, G>A. VCF-style: chr2-108764981-G-A. GRCh37 (hg19) VCF-style: chr2-109381437-G-A.
Other names: short protein forms G1481E.
Identifiers: ClinVar variation 537213 (VCV000537213.12), dbSNP rs115106428, ClinGen allele CA1823111.

ClinVar aggregate classification (germline): Conflicting classifications of pathogenicity. Review status: criteria provided, conflicting classifications (1 of 4 stars). 2 submissions from 2 submitters: Uncertain significance (1); Likely benign (1). Last evaluated 2024-09-20.

Conditions:
Familial acute necrotizing encephalopathy (IIAE3). Also called: Susceptibility to Acute Necrotizing Encephalopathy 1; ENCEPHALOPATHY, ACUTE, INFECTION-INDUCED, SUSCEPTIBILITY TO, 3. Identifiers: Orphanet 88619, MedGen C2675556, MONDO:0011953, OMIM 608033.

Allele frequency attached by ClinVar (database versions not stated): TOPMed 0.00010; gnomAD 0.00011; gnomAD exomes 0.00011 and 0.00027; ExAC 0.00012; 1000 Genomes Project 30x 0.00016; 1000 Genomes Project 0.00020; ESP Exome Variant Server 0.00023.
gnomAD v4.1: 399 of 1,614,084 alleles (0.025%); highest among the groups gnomAD compares: Non-Finnish European, 0.032%; no homozygotes.

Submissions (2):

Blueprint Genetics
Classification: Likely benign. Last evaluated: 2024-09-20. Review status: criteria provided, single submitter. Criteria: ACMG Guidelines, 2015. Collection method: clinical testing. Allele origin: germline.

Labcorp Genetics (formerly Invitae), Labcorp
Classification: Uncertain significance for Familial acute necrotizing encephalopathy. Last evaluated: 2022-02-08. Review status: criteria provided, single submitter. Criteria: Invitae Variant Classification Sherloc (09022015). Collection method: clinical testing. Allele origin: germline.
Comment: In summary, the available evidence is currently insufficient to determine the role of this variant in disease. Therefore, it has been classified as a Variant of Uncertain Significance. Algorithms developed to predict the effect of missense changes on protein structure and function output the following: SIFT: "Deleterious"; PolyPhen-2: "Possibly Damaging"; Align-GVGD: "Class C65". The glutamic acid amino acid residue is found in multiple mammalian species, which suggests that this missense change does not adversely affect protein function. ClinVar contains an entry for this variant (Variation ID: 537213). This variant has not been reported in the literature in individuals affected with RANBP2-related conditions. This variant is present in population databases (rs115106428, gnomAD 0.02%). This sequence change replaces glycine, which is neutral and non-polar, with glutamic acid, which is acidic and polar, at codon 1481 of the RANBP2 protein (p.Gly1481Glu).